The following is an entry in ClinVar:

NM_004260.4(RECQL4):c.2771T>G (p.Leu924Arg)

Gene: RECQL4 (RecQ like helicase 4; minus strand). Cytogenetic location: 8q24.3.
Variant type: single nucleotide variant.
Coding change: c.2771T>G on transcript NM_004260.4 (MANE Select); coding-DNA position 2771, T replaced by G.
Protein change: p.Leu924Arg; replaces leucine 924 with arginine.
Molecular consequence: missense variant.
Genome position (GRCh38, 1-based): chr8:144,512,756, A>C on the plus strand (T>G on the coding strand, the complement: RECQL4 is on the minus strand). VCF-style: chr8-144512756-A-C. GRCh37 (hg19) VCF-style: chr8-145738139-A-C.
Other names: short protein forms L924R.
Identifiers: ClinVar variation 1045435 (VCV001045435.5), dbSNP rs1827488371, ClinGen allele CA372674525.

ClinVar aggregate classification (germline): Uncertain significance (1 of 4 stars; one submission).

Conditions:
Baller-Gerold syndrome (BGS). Also called: CRANIOSYNOSTOSIS WITH RADIAL DEFECTS. Identifiers: Orphanet 1225, MedGen C0265308, MONDO:0009039, OMIM 218600.

Allele frequency attached by ClinVar (database versions not stated): gnomAD exomes below 0.00001.
gnomAD v4.1: 1 of 1,612,068 alleles (0.000062%); highest among the groups gnomAD compares: Non-Finnish European, 0.000085%; no homozygotes.

Submission:

Labcorp Genetics (formerly Invitae), Labcorp
Classification: Uncertain significance for Baller-Gerold syndrome. Last evaluated: 2020-10-21. Review status: criteria provided, single submitter. Criteria: Invitae Variant Classification Sherloc (09022015). Collection method: clinical testing. Allele origin: germline.
Comment: In summary, the available evidence is currently insufficient to determine the role of this variant in disease. Therefore, it has been classified as a Variant of Uncertain Significance. Experimental studies and prediction algorithms are not available or were not evaluated, and the functional significance of this variant is currently unknown. This variant has not been reported in the literature in individuals with RECQL4-related conditions. This variant is not present in population databases (ExAC no frequency). This sequence change replaces leucine with arginine at codon 924 of the RECQL4 protein (p.Leu924Arg). The leucine residue is highly conserved and there is a moderate physicochemical difference between leucine and arginine.